The following is an entry in ClinVar:

NM_001291088.2(WDR87):c.582del (p.Asp195fs)

Gene: WDR87 (WD repeat domain 87; minus strand). Cytogenetic location: 19q13.13.
Variant type: Deletion.
Coding change: c.582del on transcript NM_001291088.2 (MANE Select); coding-DNA position 582, one base deleted (T; older notation c.582delT).
Protein change: p.Asp195fs; shifts the reading frame from aspartic acid 195.
Molecular consequence: frameshift variant.
Genome position (GRCh38, 1-based): chr19:37,895,121, A deleted on the plus strand (T on the coding strand, the reverse complement: WDR87 is on the minus strand). VCF-style (leftmost placement, unchanged base first): chr19-37895120-CA-C. GRCh37 (hg19) VCF-style: chr19-38385760-CA-C.
Other names: c.465del, p.Asp156fs (NM_031951.5); short protein forms D156fs, D195fs.
Identifiers: ClinVar variation 2860378 (VCV002860378.3), dbSNP rs2046243339, ClinGen allele CA2334767469.

ClinVar aggregate classification (germline): Uncertain significance (1 of 4 stars; one submission).

Submission:

Labcorp Genetics (formerly Invitae), Labcorp
Classification: Uncertain significance. Last evaluated: 2023-05-12. Review status: criteria provided, single submitter. Criteria: Invitae Variant Classification Sherloc (09022015). Collection method: clinical testing. Allele origin: germline.
Comment: In summary, the available evidence is currently insufficient to determine the role of this variant in disease. Therefore, it has been classified as a Variant of Uncertain Significance. This variant has not been reported in the literature in individuals affected with WDR87-related conditions. This variant is not present in population databases (gnomAD no frequency). This sequence change creates a premature translational stop signal (p.Asp156Metfs*9) in the WDR87 gene. It is expected to result in an absent or disrupted protein product. However, the current clinical and genetic evidence is not sufficient to establish whether loss-of-function variants in WDR87 cause disease.